The following is an entry in ClinVar:

ClinVar aggregate classification (germline): Likely pathogenic (1 of 4 stars; one submission).

Conditions:
Hereditary spastic paraplegia 26 (SPG26). Also called: SPASTIC PARAPLEGIA 26, AUTOSOMAL RECESSIVE. Identifiers: Orphanet 101006, MedGen C1836632, MONDO:0012213, OMIM 609195.

Submission:

Variantyx, Inc.
Classification: Likely pathogenic for Hereditary spastic paraplegia 26. Last evaluated: 2025-03-12. Review status: criteria provided, single submitter. Criteria: Variantyx Assertion Criteria 2022. Collection method: clinical testing. Allele origin: paternal.
Comment: This is a frameshift variant in the B4GALNT1 gene (OMIM: 601873). Pathogenic variants in this gene have been associated with autosomal recessive spastic paraplegia 26. This alteration introduces a premature termination codon in exon 10 out of 11 and is expected to result in loss of function, which is a known disease mechanism for B4GALNT1 in this disorder (PMID: 23746551) (PVS1). The maxi0mum allele frequency is 0.0002% in non-founder control populations (PM2_Supporting). This variant has not been reported in individuals with B4GALNT1-related disorders in the databases available for review. Based on the current evidence, this variant is classified as likely pathogenic for autosomal recessive spastic paraplegia 26.

NM_001478.5(B4GALNT1):c.1151del (p.Gly384fs)

Gene: B4GALNT1 (beta-1,4-N-acetyl-galactosaminyltransferase 1; minus strand). Cytogenetic location: 12q13.3.
Variant type: Deletion.
Coding change: c.1151del on transcript NM_001478.5 (MANE Select); coding-DNA position 1151, one base deleted (G; older notation c.1151delG).
Protein change: p.Gly384fs; shifts the reading frame from glycine 384.
Molecular consequence: frameshift variant.
Genome position (GRCh38, 1-based): chr12:57,627,851, C deleted on the plus strand (G on the coding strand, the reverse complement: B4GALNT1 is on the minus strand); the first of 6 consecutive C bases (chr12:57,627,851-57,627,856); deleting any one gives the same sequence. VCF-style (leftmost placement, unchanged base first): chr12-57627850-GC-G. GRCh37 (hg19) VCF-style: chr12-58021633-GC-G.
Other names: c.986del, p.Gly329fs (NM_001276468.2, NM_001413978.1); c.1319del, p.Gly440fs (NM_001413967.1); c.1286del, p.Gly429fs (NM_001413968.1, NM_001413969.1); c.1184del, p.Gly395fs (NM_001413970.1, NM_001413971.1, NM_001413972.1); c.1151del, p.Gly384fs (NM_001413973.1, NM_001413974.1); c.1052del, p.Gly351fs (NM_001413977.1); c.299del, p.Gly100fs (NM_001413981.1); c.197del, p.Gly66fs (NM_001413982.1); and 1 more; short protein forms G100fs, G329fs, G351fs, G384fs, G395fs, G429fs, G440fs, G55fs.
Identifiers: ClinVar variation 4759242 (VCV004759242.1).
Genomic context (GRCh38, chr12:57,627,850, plus strand): 5'-GGGCTCCACGCTCAGCAGCTGCCGATAAGTGGTGGCAAAGCCGGAGATCTCGCGCACCGC[GC>G]CCCCCACCTGCAGGGAGAGGGAGGTTGCCTCCAGGCGGGCCTGGGATAGGGGACCCGAAG-3'